The following is an entry in ClinVar:

ClinVar aggregate classification (germline): Uncertain significance (1 of 4 stars; one submission).

Conditions:
Cardiovascular phenotype. Identifiers: MedGen CN230736.

Submission:

Ambry Genetics
Classification: Uncertain significance for Cardiovascular phenotype. Last evaluated: 2023-06-09. Review status: criteria provided, single submitter. Criteria: Ambry Variant Classification Scheme 2023. Collection method: clinical testing. Allele origin: germline.
Comment: The c.19173_19175dupTGA variant (also known as p.D6391dup), located in coding exon 76 of the TTN gene, results from an in-frame duplication of TGA at nucleotide positions 19173 to 19175. This results in the duplication of an aspartic acid residue at codon 6391. This amino acid position is highly conserved in available vertebrate species. In addition, this alteration is predicted to be deleterious by in silico analysis (Choi Y et al. PLoS ONE. 2012; 7(10):e46688). Since supporting evidence is limited at this time, the clinical significance of this alteration remains unclear.

NM_001267550.2(TTN):c.46365TGA[3] (p.Asp15456_Glu15457insAsp)

Genes: TTN (titin; minus strand), TTN-AS1 (TTN antisense RNA 1; plus strand). Cytogenetic location: 2q31.2.
Variant type: Microsatellite.
Coding change: c.46365TGA[3] on transcript NM_001267550.2 (MANE Select); three copies in a row of the 3-base unit TGA starting at c.46365; the reference has two copies in a row; one copy, 3 bases duplicated.
Protein change: p.Asp15456_Glu15457insAsp.
Molecular consequence: inframe insertion. On other transcripts: non-coding transcript variant (1).
Genome position (GRCh38, 1-based): chr2:178,620,047-178,620,049, TCA duplicated on the plus strand (TGA on the coding strand, the reverse complement: TTN is on the minus strand); duplicating any 3 consecutive bases within chr2:178,620,047-178,620,054 gives the same sequence; the position shown is the placement nearest the transcript's 3' end. VCF-style (leftmost placement, unchanged base first): chr2-178620046-C-CTCA. GRCh37 (hg19) VCF-style: chr2-179484773-C-CTCA.
Other names: c.41442TGA[3], p.Asp13815_Glu13816insAsp (NM_001256850.1); c.19170TGA[3], p.Asp6391_Glu6392insAsp (NM_003319.4); c.38661TGA[3], p.Asp12888_Glu12889insAsp (NM_133378.4); c.19545TGA[3], p.Asp6516_Glu6517insAsp (NM_133432.3); c.19746TGA[3], p.Asp6583_Glu6584insAsp (NM_133437.4); c.19173_19175dupTGA (NM_003319.4).
Identifiers: ClinVar variation 1782594 (VCV001782594.3), dbSNP rs754323171, ClinGen allele CA1995258.